The following is an entry in ClinVar:

NM_001009944.3(PKD1):c.4439A>G (p.Glu1480Gly)

Gene: PKD1 (polycystin 1, transient receptor potential channel interacting; minus strand). Cytogenetic location: 16p13.3.
Variant type: single nucleotide variant.
Coding change: c.4439A>G on transcript NM_001009944.3 (MANE Select); coding-DNA position 4439, A replaced by G.
Protein change: p.Glu1480Gly; replaces glutamic acid 1480 with glycine.
Molecular consequence: missense variant.
Genome position (GRCh38, 1-based): chr16:2,110,728, T>C on the plus strand (A>G on the coding strand, the complement: PKD1 is on the minus strand). VCF-style: chr16-2110728-T-C. GRCh37 (hg19) VCF-style: chr16-2160729-T-C.
Other names: c.4439A>G, p.Glu1480Gly (NM_000296.4); short protein forms E1480G.
Identifiers: ClinVar variation 4998410 (VCV004998410.1).

ClinVar aggregate classification (germline): Uncertain significance (1 of 4 stars; one submission).

Conditions:
PKD1-related disorder. Also called: PKD1-related condition.

Submission:

PreventionGenetics, part of Exact Sciences
Classification: Uncertain significance for PKD1-related condition. Last evaluated: 2025-08-20. Review status: criteria provided, single submitter. Criteria: ACMG Guidelines, 2015. Collection method: clinical testing. Allele origin: germline.
Comment: The PKD1 c.4439A>G variant is predicted to result in the amino acid substitution p.Glu1480Gly. To our knowledge, this variant has not been reported in the literature or in a large population database (gnomAD), indicating this variant is rare. At this time, the clinical significance of this variant is uncertain due to the absence of conclusive functional and genetic evidence.